The following is an entry in ClinVar:

ClinVar aggregate classification (germline): Uncertain significance (1 of 4 stars; one submission).

Conditions:
3MC syndrome 1. Also called: MICHELS SYNDROME; CRANIOSYNOSTOSIS WITH LID ANOMALIES; OCULOPALATOSKELETAL SYNDROME. Identifiers: Orphanet 293843, MedGen C0796059, MONDO:0009770, OMIM 257920.

gnomAD v4.1: 2 of 1,614,016 alleles (0.00012%); highest among the groups gnomAD compares: African/African-American, 0.0013%; no homozygotes.

Submission:

Labcorp Genetics (formerly Invitae), Labcorp
Classification: Uncertain significance for 3MC syndrome 1. Last evaluated: 2024-06-26. Review status: criteria provided, single submitter. Criteria: Invitae Variant Classification Sherloc (09022015). Collection method: clinical testing. Allele origin: germline.
Comment: This sequence change replaces threonine, which is neutral and polar, with isoleucine, which is neutral and non-polar, at codon 89 of the MASP1 protein (p.Thr89Ile). This variant is not present in population databases (gnomAD no frequency). This variant has not been reported in the literature in individuals affected with MASP1-related conditions. Algorithms developed to predict the effect of missense changes on protein structure and function output the following: SIFT: "Not Available"; PolyPhen-2: "Benign"; Align-GVGD: "Not Available". The isoleucine amino acid residue is found in multiple mammalian species, which suggests that this missense change does not adversely affect protein function. In summary, the available evidence is currently insufficient to determine the role of this variant in disease. Therefore, it has been classified as a Variant of Uncertain Significance.

NM_139125.4(MASP1):c.266C>T (p.Thr89Ile)

Gene: MASP1 (MBL associated serine protease 1; minus strand). Cytogenetic location: 3q27.3.
Variant type: single nucleotide variant.
Coding change: c.266C>T on transcript NM_139125.4 (MANE Select); coding-DNA position 266, C replaced by T.
Protein change: p.Thr89Ile; replaces threonine 89 with isoleucine.
Molecular consequence: missense variant. On other transcripts: non-coding transcript variant (1).
Genome position (GRCh38, 1-based): chr3:187,262,692, G>A on the plus strand (C>T on the coding strand, the complement: MASP1 is on the minus strand). VCF-style: chr3-187262692-G-A. GRCh37 (hg19) VCF-style: chr3-186980480-G-A.
Other names: c.266C>T, p.Thr89Ile (NM_001879.6, NM_001031849.3); short protein forms T89I.
Identifiers: ClinVar variation 3632346 (VCV003632346.2).